The following is an entry in ClinVar:

NM_002485.5(NBN):c.1679A>T (p.Asp560Val)

Gene: NBN (nibrin; minus strand). Cytogenetic location: 8q21.3.
Variant type: single nucleotide variant.
Coding change: c.1679A>T on transcript NM_002485.5 (MANE Select); coding-DNA position 1679, A replaced by T.
Protein change: p.Asp560Val; replaces aspartic acid 560 with valine.
Molecular consequence: missense variant.
Genome position (GRCh38, 1-based): chr8:89,953,410, T>A on the plus strand (A>T on the coding strand, the complement: NBN is on the minus strand). VCF-style: chr8-89953410-T-A. GRCh37 (hg19) VCF-style: chr8-90965638-T-A.
Other names: c.1433A>T, p.Asp478Val (NM_001024688.3); short protein forms D478V, D560V.
Identifiers: ClinVar variation 1974581 (VCV001974581.5), dbSNP rs2129698759, ClinGen allele CA371655336.

ClinVar aggregate classification (germline): Uncertain significance (1 of 4 stars; one submission).

Conditions:
Microcephaly, normal intelligence and immunodeficiency (NBS). Also called: BERLIN BREAKAGE SYNDROME; Nijmegen breakage syndrome; IMMUNODEFICIENCY, MICROCEPHALY, AND CHROMOSOMAL INSTABILITY; Microcephaly with normal intelligence immunodeficiency and lymphoreticular malignancies; Nonsyndromal microcephaly autosomal recessive with normal intelligence; Seemanova syndrome 2. Identifiers: Orphanet 647, MedGen C0398791, MONDO:0009623, OMIM 251260.

Submission:

Labcorp Genetics (formerly Invitae), Labcorp
Classification: Uncertain significance for Microcephaly, normal intelligence and immunodeficiency. Last evaluated: 2022-09-01. Review status: criteria provided, single submitter. Criteria: Invitae Variant Classification Sherloc (09022015). Collection method: clinical testing. Allele origin: germline.
Comment: In summary, the available evidence is currently insufficient to determine the role of this variant in disease. Therefore, it has been classified as a Variant of Uncertain Significance. Algorithms developed to predict the effect of missense changes on protein structure and function (SIFT, PolyPhen-2, Align-GVGD) all suggest that this variant is likely to be tolerated. This variant has not been reported in the literature in individuals affected with NBN-related conditions. This variant is not present in population databases (gnomAD no frequency). This sequence change replaces aspartic acid, which is acidic and polar, with valine, which is neutral and non-polar, at codon 560 of the NBN protein (p.Asp560Val).